The following is an entry in ClinVar:

ClinVar aggregate classification (germline): Likely pathogenic (1 of 4 stars; one submission).

Submission:

GeneDx
Classification: Likely pathogenic. Last evaluated: 2024-09-04. Review status: criteria provided, single submitter. Criteria: GeneDx Variant Classification Process June 2021. Collection method: clinical testing. Allele origin: germline. Affected: yes.
Comment: Not observed at significant frequency in large population cohorts (gnomAD); In silico analysis supports that this missense variant has a deleterious effect on protein structure/function; Has not been previously published as pathogenic or benign to our knowledge

NM_001083116.3(PRF1):c.1046T>G (p.Leu349Arg)

Gene: PRF1 (perforin 1; minus strand). Cytogenetic location: 10q22.1.
Variant type: single nucleotide variant.
Coding change: c.1046T>G on transcript NM_001083116.3 (MANE Select); coding-DNA position 1046, T replaced by G.
Protein change: p.Leu349Arg; replaces leucine 349 with arginine.
Molecular consequence: missense variant.
Genome position (GRCh38, 1-based): chr10:70,598,675, A>C on the plus strand (T>G on the coding strand, the complement: PRF1 is on the minus strand). VCF-style: chr10-70598675-A-C. GRCh37 (hg19) VCF-style: chr10-72358431-A-C.
Other names: c.1046T>G, p.Leu349Arg (NM_005041.6); short protein forms L349R.
Identifiers: ClinVar variation 3767657 (VCV003767657.1).